The following is an entry in ClinVar:

NM_052844.4(DYNC2I2):c.700G>A (p.Ala234Thr)

Gene: DYNC2I2 (dynein 2 intermediate chain 2; minus strand). Cytogenetic location: 9q34.11.
Variant type: single nucleotide variant.
Coding change: c.700G>A on transcript NM_052844.4 (MANE Select); coding-DNA position 700, G replaced by A.
Protein change: p.Ala234Thr; replaces alanine 234 with threonine.
Molecular consequence: missense variant.
Genome position (GRCh38, 1-based): chr9:128,636,284, C>T on the plus strand (G>A on the coding strand, the complement: DYNC2I2 is on the minus strand). VCF-style: chr9-128636284-C-T. GRCh37 (hg19) VCF-style: chr9-131398563-C-T.
Other names: short protein forms A234T.
Identifiers: ClinVar variation 1681232 (VCV001681232.4), dbSNP rs762438684, ClinGen allele CA200420337.

ClinVar aggregate classification (germline): Uncertain significance (1 of 4 stars; one submission).

Conditions:
Short-rib thoracic dysplasia 11 with or without polydactyly (SRTD11). Also called: SHORT-RIB THORACIC DYSPLASIA 11 WITHOUT POLYDACTYLY. Identifiers: Orphanet 474, Orphanet 93271, MedGen C3810200, MONDO:0014287, OMIM 615633.

Allele frequency attached by ClinVar (database versions not stated): gnomAD exomes below 0.00001 and 0.00001; TOPMed below 0.00001.
gnomAD v4.1: 3 of 1,566,078 alleles (0.00019%); highest among the groups gnomAD compares: Non-Finnish European, 0.00026%; no homozygotes.

Submission:

Labcorp Genetics (formerly Invitae), Labcorp
Classification: Uncertain significance for Short-rib thoracic dysplasia 11 with or without polydactyly. Last evaluated: 2021-11-03. Review status: criteria provided, single submitter. Criteria: Invitae Variant Classification Sherloc (09022015). Collection method: clinical testing. Allele origin: germline.
Comment: Algorithms developed to predict the effect of missense changes on protein structure and function (SIFT, PolyPhen-2, Align-GVGD) all suggest that this variant is likely to be disruptive. In summary, the available evidence is currently insufficient to determine the role of this variant in disease. Therefore, it has been classified as a Variant of Uncertain Significance. This variant has not been reported in the literature in individuals affected with WDR34-related conditions. This variant is not present in population databases (gnomAD no frequency). This sequence change replaces alanine, which is neutral and non-polar, with threonine, which is neutral and polar, at codon 234 of the WDR34 protein (p.Ala234Thr).